The following is an entry in ClinVar:

ClinVar aggregate classification (germline): Uncertain significance (1 of 4 stars; one submission).

Conditions:
Hereditary cancer-predisposing syndrome. Also called: Hereditary neoplastic syndrome; Neoplastic Syndromes, Hereditary; Tumor predisposition; Hereditary Cancer Syndrome. Identifiers: Orphanet 140162, MedGen C0027672, MeSH D009386, MONDO:0015356.

Submission:

Ambry Genetics
Classification: Uncertain significance for Hereditary cancer-predisposing syndrome. Last evaluated: 2025-03-05. Review status: criteria provided, single submitter. Criteria: Ambry Variant Classification Scheme 2023. Collection method: clinical testing. Allele origin: germline.
Comment: The p.E17K variant (also known as c.49G>A), located in coding exon 1 of the CDC73 gene, results from a G to A substitution at nucleotide position 49. The glutamic acid at codon 17 is replaced by lysine, an amino acid with similar properties. This amino acid position is conserved. In addition, the in silico prediction for this alteration is inconclusive. Based on the available evidence, the clinical significance of this variant remains unclear.

NM_024529.5(CDC73):c.49G>A (p.Glu17Lys)

Gene: CDC73 (cell division cycle 73; plus strand). Cytogenetic location: 1q31.2.
Variant type: single nucleotide variant.
Coding change: c.49G>A on transcript NM_024529.5 (MANE Select); coding-DNA position 49, G replaced by A.
Protein change: p.Glu17Lys; replaces glutamic acid 17 with lysine.
Molecular consequence: missense variant.
Genome position (GRCh38, 1-based): chr1:193,122,249, G>A. VCF-style: chr1-193122249-G-A. GRCh37 (hg19) VCF-style: chr1-193091379-G-A.
Other names: short protein forms E17K.
Identifiers: ClinVar variation 3829905 (VCV003829905.1).